The following is an entry in ClinVar:

NM_001367561.1(DOCK7):c.856G>A (p.Ala286Thr)

Gene: DOCK7 (dedicator of cytokinesis 7; minus strand). Cytogenetic location: 1p31.3.
Variant type: single nucleotide variant.
Coding change: c.856G>A on transcript NM_001367561.1 (MANE Select); coding-DNA position 856, G replaced by A.
Protein change: p.Ala286Thr; replaces alanine 286 with threonine.
Molecular consequence: missense variant.
Genome position (GRCh38, 1-based): chr1:62,636,566, C>T on the plus strand (G>A on the coding strand, the complement: DOCK7 is on the minus strand). VCF-style: chr1-62636566-C-T. GRCh37 (hg19) VCF-style: chr1-63102237-C-T.
Other names: c.856G>A, p.Ala286Thr (NM_001271999.2, NM_001272000.2, NM_001272001.2 and 3 more transcripts); short protein forms A286T.
Identifiers: ClinVar variation 3365741 (VCV003365741.1).

ClinVar aggregate classification (germline): Uncertain significance (1 of 4 stars; one submission).

Submission:

GeneDx
Classification: Uncertain significance. Last evaluated: 2023-12-17. Review status: criteria provided, single submitter. Criteria: GeneDx Variant Classification Process June 2021. Collection method: clinical testing. Allele origin: germline. Affected: yes.
Comment: Not observed at significant frequency in large population cohorts (gnomAD); In silico analysis supports that this missense variant has a deleterious effect on protein structure/function; Has not been previously published as pathogenic or benign to our knowledge